The following is an entry in ClinVar:

ClinVar aggregate classification (germline): Pathogenic (1 of 4 stars; one submission).

Conditions:
Sandhoff disease. Also called: HEXOSAMINIDASES A AND B DEFICIENCY; Beta-hexosaminidase-beta-subunit deficiency; GM2 gangliosidosis, type 2; Total hexosaminidase deficiency; Sandhoff-Jatzkewitz-Pilz disease; GM2-GANGLIOSIDOSIS, TYPE II. Identifiers: Orphanet 796, MedGen C0036161, MONDO:0010006, OMIM 268800.

Submission:

Myriad Genetics, Inc.
Classification: Pathogenic for Sandhoff disease. Last evaluated: 2024-02-19. Review status: criteria provided, single submitter. Criteria: Myriad Autosomal Dominant, Autosomal Recessive and X-Linked Classification Criteria (2023). Collection method: clinical testing. Allele origin: unknown.
Comment: NM_000521.3(HEXB):c.973_977del5(T325Efs*15) is expected to be pathogenic in the context of Sandhoff disease. This variant is predicted to lead to an abnormal or absent protein product due to the creation of a premature termination codon in HEXB, a gene where loss-of-function variants are known to be pathogenic. Please note: this variant was assessed in the context of healthy population screening.

NM_000521.4(HEXB):c.973_977del (p.Thr325fs)

Gene: HEXB (hexosaminidase subunit beta; plus strand). Cytogenetic location: 5q13.3.
Variant type: Deletion.
Coding change: c.973_977del on transcript NM_000521.4 (MANE Select); coding-DNA positions 973 to 977, 5 bases deleted (ACTCT; older notation c.973_977delACTCT).
Protein change: p.Thr325fs; shifts the reading frame from threonine 325.
Molecular consequence: frameshift variant.
Genome position (GRCh38, 1-based): chr5:74,715,581-74,715,585, ACTCT deleted; deleting any 5 consecutive bases within chr5:74,715,579-74,715,585 gives the same sequence; the c. name uses the placement nearest the transcript's 3' end. VCF-style (leftmost placement, unchanged base first): chr5-74715578-CCTACT-C. GRCh37 (hg19) VCF-style: chr5-74011403-CCTACT-C.
Other names: c.298_302del, p.Thr100fs (NM_001292004.2); short protein forms T100fs, T325fs.
Identifiers: ClinVar variation 5012763 (VCV005012763.1).
Genomic context (GRCh38, chr5:74,715,578, plus strand): 5'-GACCTCCTGACTCCATGTTACAGTAGACAAAACAAGTTGGACTCTTTTGGACCTATAAAC[CCTACT>C]CTGAATACAACATACAGCTTCCTTACTACATTTTTCAAAGAAATTAGTGAGGTGTTTCCA-3'